The following is an entry in ClinVar:

ClinVar aggregate classification (germline): Uncertain significance (1 of 4 stars; one submission).

Conditions:
Autosomal dominant nonsyndromic hearing loss 10. Identifiers: Orphanet 90635, MedGen C1832476, MONDO:0011031, OMIM 601316.

Submission:

3billion
Classification: Uncertain significance for Autosomal dominant nonsyndromic hearing loss 10. Last evaluated: 2024-04-19. Review status: criteria provided, single submitter. Criteria: ACMG Guidelines, 2015. Collection method: clinical testing. Allele origin: germline. Affected: yes.
Comment: The variant is not observed in the gnomAD v4.0.0 dataset. Predicted Consequence/Location: Intron variant In silico tools predict the variant to alter splicing and produce an abnormal transcript [SpliceAI: 0.83 (>=0.2, moderate evidence for spliceogenicity)]. Therefore, this variant is classified as VUS according to the recommendation of ACMG/AMP guideline.

NM_004100.5(EYA4):c.371-15_371-14insAG

Gene: EYA4 (EYA transcriptional coactivator and phosphatase 4; plus strand). Cytogenetic location: 6q23.2.
Variant type: Insertion.
Coding change: c.371-15_371-14insAG on transcript NM_004100.5 (MANE Select); 15 bases into the intron before coding-DNA position 371 through 14 bases into the intron before coding-DNA position 371, AG inserted.
Molecular consequence: intron variant.
Genome position: GRCh38 VCF-style: chr6-133461099-T-TAG. GRCh37 (hg19) VCF-style: chr6-133782237-T-TAG.
Other names: c.371-15_371-14insAG (NM_001301013.2, NM_172105.4); c.302-15_302-14insAG (NM_001370458.1, NM_172103.4); c.209-15_209-14insAG (NM_001370459.1, NM_001301012.2).
Identifiers: ClinVar variation 3775835 (VCV003775835.1).
Genomic context (GRCh38, chr6:133,461,099, plus strand): 5'-AATTGGTTATGTACACTCTAGTGAAATGTATTTATGAAGCAACCTTTGGTGCACTGGTAT[T>TAG]TTTGTGTCTTACAGTAATTACAAGTAGTGGCTACAGCCCCAGATCAGCACATCAGTATTC-3'